The following is an entry in ClinVar:

NM_016507.4(CDK12):c.568C>G (p.Leu190Val)

Genes: CDK12 (cyclin dependent kinase 12; plus strand), LOC126862553 (CDK7 strongly-dependent group 2 enhancer GRCh37_chr17:37618166-37619365; plus strand). Cytogenetic location: 17q12.
Variant type: single nucleotide variant.
Coding change: c.568C>G on transcript NM_016507.4 (MANE Select); coding-DNA position 568, C replaced by G.
Protein change: p.Leu190Val; replaces leucine 190 with valine.
Molecular consequence: missense variant.
Genome position (GRCh38, 1-based): chr17:39,462,639, C>G. VCF-style: chr17-39462639-C-G. GRCh37 (hg19) VCF-style: chr17-37618892-C-G.
Other names: c.568C>G, p.Leu190Val (NM_015083.4); short protein forms L190V.
Identifiers: ClinVar variation 4651343 (VCV004651343.1).

ClinVar aggregate classification (germline): Uncertain significance (1 of 4 stars; one submission).

Submission:

Ambry Genetics
Classification: Uncertain significance. Last evaluated: 2025-09-28. Review status: criteria provided, single submitter. Criteria: Ambry Variant Classification Scheme 2023. Collection method: clinical testing. Allele origin: germline.
Comment: The p.L190V variant (also known as c.568C>G), located in coding exon 1 of the CDK12 gene, results from a C to G substitution at nucleotide position 568. The leucine at codon 190 is replaced by valine, an amino acid with highly similar properties. This amino acid position is conserved. In addition, this alteration is predicted to be tolerated by in silico analysis. Based on the available evidence, the clinical significance of this variant remains unclear.